The following is an entry in ClinVar:

ClinVar aggregate classification (germline): Likely benign (1 of 4 stars; one submission).

Submission:

Mayo Clinic Laboratories, Mayo Clinic
Classification: Likely benign. Last evaluated: 2025-07-29. Review status: criteria provided, single submitter. Criteria: ACMG Guidelines, 2015. Collection method: clinical testing. Allele origin: germline. Observed: 1 variant allele.
Comment: BP4, BP7, PM2_supporting

NM_001355436.2(SPTB):c.6220-12CTC[2]

Gene: SPTB (spectrin beta, erythrocytic; minus strand). Cytogenetic location: 14q23.3.
Variant type: Microsatellite.
Coding change: c.6220-12CTC[2] on transcript NM_001355436.2 (MANE Select); two copies in a row of the 3-base unit CTC starting at c.6220-12; the reference has three copies in a row; one copy, 3 bases deleted.
Molecular consequence: intron variant.
Genome position (GRCh38, 1-based): chr14:64,767,356-64,767,358, GAG deleted on the plus strand (CTC on the coding strand, the reverse complement: SPTB is on the minus strand); deleting any 3 consecutive bases within chr14:64,767,356-64,767,364 gives the same sequence; the position shown is the placement nearest the transcript's 3' end. VCF-style (leftmost placement, unchanged base first): chr14-64767355-AGAG-A. GRCh37 (hg19) VCF-style: chr14-65234073-AGAG-A.
Other names: p.?; c.6220-12CTC[2] (NM_001024858.4, NM_001355437.2); c.6220-6_6220-4del (NM_001355436.2).
Identifiers: ClinVar variation 4683866 (VCV004683866.1).